The following is an entry in ClinVar:

ClinVar aggregate classification (germline): Likely benign (1 of 4 stars; one submission).

Submission:

GeneDx
Classification: Likely benign. Last evaluated: 2021-04-09. Review status: criteria provided, single submitter. Criteria: GeneDx Variant Classification Process June 2021. Collection method: clinical testing. Allele origin: germline. Affected: yes.
Comment: See Variant Classification Assertion Criteria.

NM_173551.5(ANKS6):c.2511+160del

Gene: ANKS6 (ankyrin repeat and sterile alpha motif domain containing 6; minus strand). Cytogenetic location: 9q22.33.
Variant type: Deletion.
Coding change: c.2511+160del on transcript NM_173551.5 (MANE Select); 160 bases into the intron after coding-DNA position 2511, one base deleted (G; older notation c.2511+160delG).
Molecular consequence: intron variant.
Genome position (GRCh38, 1-based): chr9:98,745,399, C deleted on the plus strand (G on the coding strand, the reverse complement: ANKS6 is on the minus strand); the first of 2 consecutive C bases (chr9:98,745,399-98,745,400); deleting either gives the same sequence. VCF-style (leftmost placement, unchanged base first): chr9-98745398-AC-A. GRCh37 (hg19) VCF-style: chr9-101507680-AC-A.
Identifiers: ClinVar variation 1695470 (VCV001695470.2), dbSNP rs535407349, ClinGen allele CA196819890.